The following is an entry in ClinVar:

ClinVar aggregate classification (germline): Benign (1 of 4 stars; one submission).

Allele frequency attached by ClinVar (database versions not stated): 1000 Genomes Project 0.83107; 1000 Genomes Project 30x 0.83136; TOPMed 0.84339; gnomAD 0.84919 and 0.84974.
gnomAD v4.1: 129,280 of 152,176 alleles (85%); highest among the groups gnomAD compares: Non-Finnish European, 88%; 55,126 homozygotes.

Submission:

GeneDx
Classification: Benign. Last evaluated: 2018-06-15. Review status: criteria provided, single submitter. Criteria: GeneDx Variant Classification (06012015). Collection method: clinical testing. Allele origin: germline. Affected: yes.
Comment: This variant is considered likely benign or benign based on one or more of the following criteria: it is a conservative change, it occurs at a poorly conserved position in the protein, it is predicted to be benign by multiple in silico algorithms, and/or has population frequency not consistent with disease.

NM_001035.3(RYR2):c.6166+213A>G

Gene: RYR2 (ryanodine receptor 2; plus strand). Cytogenetic location: 1q43.
Variant type: single nucleotide variant.
Coding change: c.6166+213A>G on transcript NM_001035.3 (MANE Select); 213 bases into the intron after coding-DNA position 6166, A replaced by G.
Molecular consequence: intron variant.
Genome position (GRCh38, 1-based): chr1:237,626,017, A>G. VCF-style: chr1-237626017-A-G. GRCh37 (hg19) VCF-style: chr1-237789317-A-G.
Identifiers: ClinVar variation 672078 (VCV000672078.1), dbSNP rs512336, ClinGen allele CA39838252.